The following is an entry in ClinVar:

NM_004373.4(COX6A1):c.50G>A (p.Arg17His)

Gene: COX6A1 (cytochrome c oxidase subunit 6A1; plus strand). Cytogenetic location: 12q24.31.
Variant type: single nucleotide variant.
Coding change: c.50G>A on transcript NM_004373.4 (MANE Select); coding-DNA position 50, G replaced by A.
Protein change: p.Arg17His; replaces arginine 17 with histidine.
Molecular consequence: missense variant.
Genome position (GRCh38, 1-based): chr12:120,438,176, G>A. VCF-style: chr12-120438176-G-A. GRCh37 (hg19) VCF-style: chr12-120875979-G-A.
Other names: c.50G>A (NM_004373.2); short protein forms R17H.
Identifiers: ClinVar variation 2418345 (VCV002418345.4), dbSNP rs139069733, ClinGen allele CA6827964.

ClinVar aggregate classification (germline): Uncertain significance. Review status: criteria provided, multiple submitters, no conflicts (2 of 4 stars). 2 submissions from 2 submitters: Uncertain significance (2). Last evaluated 2025-07-15.

Allele frequency attached by ClinVar (database versions not stated): TOPMed 0.00002; gnomAD 0.00003; ESP Exome Variant Server 0.00008.
gnomAD v4.1: 45 of 1,613,724 alleles (0.0028%); highest among the groups gnomAD compares: Non-Finnish European, 0.0036%; no homozygotes.

Submissions (2):

Ambry Genetics
Classification: Uncertain significance. Last evaluated: 2025-07-15. Review status: criteria provided, single submitter. Criteria: Ambry Variant Classification Scheme 2023. Collection method: clinical testing. Allele origin: germline.

Labcorp Genetics (formerly Invitae), Labcorp
Classification: Uncertain significance. Last evaluated: 2022-08-03. Review status: criteria provided, single submitter. Criteria: Invitae Variant Classification Sherloc (09022015). Collection method: clinical testing. Allele origin: germline.
Comment: This sequence change replaces arginine, which is basic and polar, with histidine, which is basic and polar, at codon 17 of the COX6A1 protein (p.Arg17His). This variant is present in population databases (rs139069733, gnomAD 0.004%). This variant has not been reported in the literature in individuals affected with COX6A1-related conditions. Algorithms developed to predict the effect of missense changes on protein structure and function are either unavailable or do not agree on the potential impact of this missense change (SIFT: "Tolerated"; PolyPhen-2: "Not Available"; Align-GVGD: "Class C0"). In summary, the available evidence is currently insufficient to determine the role of this variant in disease. Therefore, it has been classified as a Variant of Uncertain Significance.